The following is an entry in ClinVar:

ClinVar aggregate classification (germline): Uncertain significance (1 of 4 stars; one submission).

Submission:

Labcorp Genetics (formerly Invitae), Labcorp
Classification: Uncertain significance. Last evaluated: 2022-07-12. Review status: criteria provided, single submitter. Criteria: Invitae Variant Classification Sherloc (09022015). Collection method: clinical testing. Allele origin: germline.
Comment: This variant has not been reported in the literature in individuals affected with ARL3-related conditions. This variant is a gross deletion of the genomic region encompassing exon(s) 1 of the ARL3 gene, which includes the initiator codon. This deletion extends beyond the assayed region for this gene and therefore may encompass additional genes. It is expected to result in an absent or disrupted protein product. However, the current clinical and genetic evidence is not sufficient to establish whether loss-of-function variants in ARL3 cause disease. In summary, the available evidence is currently insufficient to determine the role of this variant in disease. Therefore, it has been classified as a Variant of Uncertain Significance.

NC_000010.10:g.(?_104474010)_(104474032_?)del

Gene: ARL3 (ARF like GTPase 3; minus strand). Cytogenetic location: 10q24.32.
Variant type: Deletion.
Identifiers: ClinVar variation 1443823 (VCV001443823.5).